The following is an entry in ClinVar:

NM_018238.4(AGK):c.156A>G (p.Gln52=)

Gene: AGK (acylglycerol kinase; plus strand). Cytogenetic location: 7q34.
Variant type: single nucleotide variant.
Coding change: c.156A>G on transcript NM_018238.4 (MANE Select); coding-DNA position 156, A replaced by G.
Protein change: p.Gln52=; no amino-acid change (glutamine 52 retained).
Molecular consequence: synonymous variant.
Genome position (GRCh38, 1-based): chr7:141,596,576, A>G. VCF-style: chr7-141596576-A-G. GRCh37 (hg19) VCF-style: chr7-141296376-A-G.
Other names: c.156A>G, p.Gln52= (NM_001364948.3).
Identifiers: ClinVar variation 3760579 (VCV003760579.6).

ClinVar aggregate classification (germline): Likely benign. Review status: criteria provided, multiple submitters, no conflicts (2 of 4 stars). 2 submissions from 2 submitters: Likely benign (2). Last evaluated 2026-02-01.

Conditions:
Cataract 38. Also called: Cataract, autosomal recessive congenital 5; Cataract 38, autosomal recessive. Identifiers: Orphanet 91492, MedGen C3553494, MONDO:0013859, OMIM 614691.
Sengers syndrome. Also called: MITOCHONDRIAL DNA DEPLETION SYNDROME 10 (CARDIOMYOPATHIC TYPE); Cardiomyopathy and cataract. Identifiers: Orphanet 1369, MedGen C1859317, MONDO:0008922, OMIM 212350.

gnomAD v4.1: 6 of 1,614,026 alleles (0.00037%); highest among the groups gnomAD compares: Non-Finnish European, 0.00034%; no homozygotes.

Submissions (2):

CeGaT Center for Human Genetics Tuebingen
Classification: Likely benign. Last evaluated: 2026-02-01. Review status: criteria provided, single submitter. Criteria: CeGaT Center For Human Genetics Tuebingen Variant Classification Criteria Version 2. Collection method: clinical testing. Allele origin: germline. Affected: yes. Observed: 1 variant allele.
Comment: AGK: BP4, BP7

Labcorp Genetics (formerly Invitae), Labcorp
Classification: Likely benign for Sengers syndrome; Cataract 38. Last evaluated: 2024-06-29. Review status: criteria provided, single submitter. Criteria: Invitae Variant Classification Sherloc (09022015). Collection method: clinical testing. Allele origin: germline.